The following is an entry in ClinVar:

ClinVar aggregate classification (germline): Likely benign. Review status: criteria provided, multiple submitters, no conflicts (2 of 4 stars). 4 submissions from 4 submitters: Likely benign (4). Last evaluated 2026-03-01.

Allele frequency attached by ClinVar (database versions not stated): 1000 Genomes Project 30x 0.00016; 1000 Genomes Project 0.00020; gnomAD 0.00106 and 0.00110; TOPMed 0.00133; ESP Exome Variant Server 0.00151.
gnomAD v4.1: 2,092 of 1,548,420 alleles (0.14%); highest among the groups gnomAD compares: Admixed American, 0.22%; 1 homozygote.

Submissions (4):

CeGaT Center for Human Genetics Tuebingen
Classification: Likely benign. Last evaluated: 2026-03-01. Review status: criteria provided, single submitter. Criteria: CeGaT Center For Human Genetics Tuebingen Variant Classification Criteria Version 2. Collection method: clinical testing. Allele origin: germline. Affected: yes. Observed: 4 variant alleles.
Comment: LAMA5: BP4, BP7

Labcorp Genetics (formerly Invitae), Labcorp
Classification: Likely benign. Last evaluated: 2026-02-01. Review status: criteria provided, single submitter. Criteria: Invitae Variant Classification Sherloc (09022015). Collection method: clinical testing. Allele origin: germline.

Blueprint Genetics
Classification: Likely benign. Last evaluated: 2024-11-05. Review status: criteria provided, single submitter. Criteria: ACMG Guidelines, 2015. Collection method: clinical testing. Allele origin: germline.

Breakthrough Genomics
Classification: Likely benign. Review status: criteria provided, single submitter. Criteria: ACMG Guidelines, 2015. Collection method: not provided. Allele origin: germline. Inheritance: Autosomal recessive inheritance. Affected: yes.

NM_005560.6(LAMA5):c.10464C>T (p.Ser3488=)

Gene: LAMA5 (laminin subunit alpha 5; minus strand). Cytogenetic location: 20q13.33.
Variant type: single nucleotide variant.
Coding change: c.10464C>T on transcript NM_005560.6 (MANE Select); coding-DNA position 10464, C replaced by T.
Protein change: p.Ser3488=; no amino-acid change (serine 3488 retained).
Molecular consequence: synonymous variant.
Genome position (GRCh38, 1-based): chr20:62,310,555, G>A on the plus strand (C>T on the coding strand, the complement: LAMA5 is on the minus strand). VCF-style: chr20-62310555-G-A. GRCh37 (hg19) VCF-style: chr20-60885611-G-A.
Identifiers: ClinVar variation 781752 (VCV000781752.19), dbSNP rs201356478, ClinGen allele CA9939771.